The following is an entry in ClinVar:

ClinVar aggregate classification (germline): Benign/Likely benign. Review status: criteria provided, multiple submitters, no conflicts (2 of 4 stars). 3 submissions from 2 submitters: Benign (1); Likely benign (2). Last evaluated 2023-04-01.

Conditions:
Platelet-type bleeding disorder 9 (BDPLT9). Also called: GLYCOPROTEIN Ia DEFICIENCY; GP Ia DEFICIENCY; COLLAGEN PLATELET RECEPTOR DEFICIENCY. Identifiers: Orphanet 73271, Orphanet 98886, MedGen C3280114, MONDO:0013622, OMIM 614200.
Sulfite oxidase deficiency due to molybdenum cofactor deficiency type B1 (MOCODB1). Also called: MOLYBDENUM COFACTOR DEFICIENCY, TYPE B1; Molybdenum cofactor deficiency, complementation group B; Sulfite oxidase deficiency due to molybdenum cofactor deficiency type B; Molybdenum cofactor deficiency B. Identifiers: Orphanet 308393, Orphanet 833, MedGen C6065887, MONDO:0009644, OMIM 252160.

Allele frequency attached by ClinVar (database versions not stated): 1000 Genomes Project 30x 0.00265; TOPMed 0.00674; gnomAD 0.00647 and 0.00676; 1000 Genomes Project 0.00200.

Submissions (3):

CeGaT Center for Human Genetics Tuebingen
Classification: Likely benign. Last evaluated: 2023-04-01. Review status: criteria provided, single submitter. Criteria: CeGaT Center For Human Genetics Tuebingen Variant Classification Criteria Version 2. Collection method: clinical testing. Allele origin: germline. Affected: yes. Observed: 7 variant alleles.
Comment: MOCS2: BS1

Illumina Laboratory Services, Illumina
Classification: Likely benign for Sulfite oxidase deficiency due to molybdenum cofactor deficiency type B1. Last evaluated: 2018-01-13. Review status: criteria provided, single submitter. Criteria: ICSL Variant Classification Criteria 13 December 2019. Collection method: clinical testing. Allele origin: germline.
Comment: This variant was observed in the ICSL laboratory as part of a predisposition screen in an ostensibly healthy population. It had not been previously curated by ICSL or reported in the Human Gene Mutation Database (HGMD: prior to June 1st, 2018), and was therefore a candidate for classification through an automated scoring system. Utilizing variant allele frequency, disease prevalence and penetrance estimates, and inheritance mode, an automated score was calculated to assess if this variant is too frequent to cause the disease. Based on the score and internal cut-off values, a variant classified as likely benign is not then subjected to further curation. The score for this variant resulted in a classification of likely benign for this disease.

Illumina Laboratory Services, Illumina
Classification: Benign for Platelet-type bleeding disorder 9. Last evaluated: 2018-01-12. Review status: criteria provided, single submitter. Criteria: ICSL Variant Classification Criteria 13 December 2019. Collection method: clinical testing. Allele origin: germline.
Comment: This variant was observed in the ICSL laboratory as part of a predisposition screen in an ostensibly healthy population. It had not been previously curated by ICSL or reported in the Human Gene Mutation Database (HGMD: prior to June 1st, 2018), and was therefore a candidate for classification through an automated scoring system. Utilizing variant allele frequency, disease prevalence and penetrance estimates, and inheritance mode, an automated score was calculated to assess if this variant is too frequent to cause the disease. Based on the score and internal cut-off values, a variant classified as benign is not then subjected to further curation. The score for this variant resulted in a classification of benign for this disease.

NM_004531.5(MOCS2):c.*1913G>A

Genes: ITGA2 (integrin subunit alpha 2; plus strand), MOCS2 (molybdenum cofactor synthesis 2; minus strand). Cytogenetic location: 5q11.2.
Variant type: single nucleotide variant.
Coding change: c.*1913G>A on transcript NM_004531.5 (MANE Select); 1913 bases downstream of the stop codon, G replaced by A.
Molecular consequence: 3 prime UTR variant.
Genome position (GRCh38, 1-based): chr5:53,096,689, C>T on the plus strand (G>A on the coding strand, the complement: MOCS2 is on the minus strand). VCF-style: chr5-53096689-C-T. GRCh37 (hg19) VCF-style: chr5-52392519-C-T.
Other names: c.*2400G>A (NM_176806.4).
Identifiers: ClinVar variation 905689 (VCV000905689.28), dbSNP rs193054707, ClinGen allele CA118883122.
Genomic context (GRCh38, chr5:53,096,689, plus strand): 5'-TCAGTAAAGATCCTATCTAAGTCAAGTGCAATGCACTAAAATCTTTCAAGGCCATTCCAT[C>T]CCAGTTCTGGCATGCCCCAGGTTAACTCCTTAACCTCTCTGTTGGAGACTTTAAAAGCAT-3'